The following is an entry in ClinVar:

NM_004082.5(DCTN1):c.1560C>T (p.Tyr520=)

Gene: DCTN1 (dynactin subunit 1; minus strand). Cytogenetic location: 2p13.1.
Variant type: single nucleotide variant.
Coding change: c.1560C>T on transcript NM_004082.5 (MANE Select); coding-DNA position 1560, C replaced by T.
Protein change: p.Tyr520=; no amino-acid change (tyrosine 520 retained).
Molecular consequence: synonymous variant. On other transcripts: non-coding transcript variant (1).
Genome position (GRCh38, 1-based): chr2:74,369,324, G>A on the plus strand (C>T on the coding strand, the complement: DCTN1 is on the minus strand). VCF-style: chr2-74369324-G-A. GRCh37 (hg19) VCF-style: chr2-74596451-G-A.
Other names: c.1500C>T, p.Tyr500= (NM_001135040.3); c.1158C>T, p.Tyr386= (NM_001135041.3, NM_023019.4); c.1449C>T, p.Tyr483= (NM_001190836.2); c.1539C>T, p.Tyr513= (NM_001190837.2); c.1509C>T, p.Tyr503= (NM_001378991.1); c.1491C>T, p.Tyr497= (NM_001378992.1).
Identifiers: ClinVar variation 3357524 (VCV003357524.3).

ClinVar aggregate classification (germline): Likely benign. Review status: criteria provided, single submitter (1 of 4 stars). 2 submissions from 2 submitters: Likely benign (1). 1 of the submissions does not count toward it. Last evaluated 2024-11-26.

Conditions:
Amyotrophic lateral sclerosis type 1 (ALS1). Also called: AMYOTROPHIC LATERAL SCLEROSIS 1, FAMILIAL. Identifiers: Orphanet 803, MedGen C1862939, MONDO:0007103, OMIM 105400.
Perry syndrome. Also called: PARKINSONISM WITH ALVEOLAR HYPOVENTILATION AND MENTAL DEPRESSION. Identifiers: Orphanet 178509, MedGen C1868594, MONDO:0008201, OMIM 168605.
Neuronopathy, distal hereditary motor, type 7B. Also called: NEURONOPATHY, DISTAL HEREDITARY MOTOR, AUTOSOMAL DOMINANT 14; NEURONOPATHY, DISTAL HEREDITARY MOTOR, HARDING TYPE VIIB; NEUROPATHY, DISTAL HEREDITARY MOTOR, HARDING TYPE VIIB; NEUROPATHY, DISTAL HEREDITARY MOTOR, WITH VOCAL CORD PARALYSIS, HARDING TYPE VIIB; HMN VIIB; Distal Hereditary Motor Neuronopathy Type 7B (dHMN7B). Identifiers: Orphanet 139589, MedGen C1843315, MONDO:0011879, OMIM 607641.
DCTN1-related disorder. Also called: DCTN1-related condition.

gnomAD v4.1: 14 of 1,614,216 alleles (0.00087%); highest among the groups gnomAD compares: Admixed American, 0.0017%; no homozygotes.

Submissions (2):

Labcorp Genetics (formerly Invitae), Labcorp
Classification: Likely benign for Amyotrophic lateral sclerosis type 1; Neuronopathy, distal hereditary motor, type 7B; Perry syndrome. Last evaluated: 2024-11-26. Review status: criteria provided, single submitter. Criteria: Invitae Variant Classification Sherloc (09022015). Collection method: clinical testing. Allele origin: germline.

PreventionGenetics, part of Exact Sciences
Classification: Likely benign for DCTN1-related condition. Last evaluated: 2022-10-11. Review status: no assertion criteria provided. Collection method: clinical testing. Allele origin: germline. Not counted in ClinVar's aggregate classification.
Comment: This variant is classified as likely benign based on ACMG/AMP sequence variant interpretation guidelines (Richards et al. 2015 PMID: 25741868, with internal and published modifications).